The following is an entry in ClinVar:

ClinVar aggregate classification (germline): Uncertain significance (0 of 4 stars; one submission).

Conditions:
PLXNA1-related disorder. Also called: PLXNA1-related condition.

gnomAD v4.1: 20 of 1,604,448 alleles (0.0012%); highest among the groups gnomAD compares: East Asian, 0.034%; 1 homozygote.

Submission:

PreventionGenetics, part of Exact Sciences
Classification: Uncertain significance for PLXNA1-related condition. Last evaluated: 2024-05-22. Review status: no assertion criteria provided. Collection method: clinical testing. Allele origin: germline.
Comment: The PLXNA1 c.1892G>A variant is predicted to result in the amino acid substitution p.Gly631Asp. To our knowledge, this variant has not been reported in the literature. This variant is reported in 0.030% of alleles in individuals of East Asian descent in gnomAD. At this time, the clinical significance of this variant is uncertain due to the absence of conclusive functional and genetic evidence.

NM_032242.4(PLXNA1):c.1892G>A (p.Gly631Asp)

Gene: PLXNA1 (plexin A1; plus strand). Cytogenetic location: 3q21.3.
Variant type: single nucleotide variant.
Coding change: c.1892G>A on transcript NM_032242.4 (MANE Select); coding-DNA position 1892, G replaced by A.
Protein change: p.Gly631Asp; replaces glycine 631 with aspartic acid.
Molecular consequence: missense variant.
Genome position (GRCh38, 1-based): chr3:127,005,238, G>A. VCF-style: chr3-127005238-G-A. GRCh37 (hg19) VCF-style: chr3-126724081-G-A.
Other names: short protein forms G631D.
Identifiers: ClinVar variation 3357476 (VCV003357476.1).